The following is an entry in ClinVar:

NM_032119.4(ADGRV1):c.8005G>A (p.Glu2669Lys)

Gene: ADGRV1 (adhesion G protein-coupled receptor V1; plus strand). Cytogenetic location: 5q14.3.
Variant type: single nucleotide variant.
Coding change: c.8005G>A on transcript NM_032119.4 (MANE Select); coding-DNA position 8005, G replaced by A.
Protein change: p.Glu2669Lys; replaces glutamic acid 2669 with lysine.
Molecular consequence: missense variant. On other transcripts: non-coding transcript variant (1).
Genome position (GRCh38, 1-based): chr5:90,696,996, G>A. VCF-style: chr5-90696996-G-A. GRCh37 (hg19) VCF-style: chr5-89992813-G-A.
Other names: c.8005G>A (NM_032119.3); short protein forms E2669K.
Identifiers: ClinVar variation 1025108 (VCV001025108.11), dbSNP rs757776405, ClinGen allele CA3340143.

ClinVar aggregate classification (germline): Conflicting classifications of pathogenicity. Review status: criteria provided, conflicting classifications (1 of 4 stars). 4 submissions from 4 submitters: Uncertain significance (3); Likely benign (1). Last evaluated 2024-12-31.

Conditions:
Inborn genetic diseases. Identifiers: MedGen C0950123, MeSH D030342.

Allele frequency attached by ClinVar (database versions not stated): TOPMed 0.00002; gnomAD 0.00001; gnomAD exomes 0.00002; ExAC 0.00002.
gnomAD v4.1: 25 of 1,613,142 alleles (0.0015%); highest among the groups gnomAD compares: Non-Finnish European, 0.002%; no homozygotes.

Submissions (4):

Athena Diagnostics
Classification: Uncertain significance. Last evaluated: 2024-12-31. Review status: criteria provided, single submitter. Criteria: Athena Diagnostics Criteria. Collection method: clinical testing. Allele origin: unknown.
Comment: Available data are insufficient to determine the clinical significance of the variant at this time. The frequency of this variant in the general population is uninformative in assessment of its pathogenicity. Polyphen and MutationTaster predict this amino acid change may be damaging to the protein.

Labcorp Genetics (formerly Invitae), Labcorp
Classification: Likely benign. Last evaluated: 2024-11-11. Review status: criteria provided, single submitter. Criteria: Invitae Variant Classification Sherloc (09022015). Collection method: clinical testing. Allele origin: germline.

Ambry Genetics
Classification: Uncertain significance for Inborn genetic diseases. Last evaluated: 2024-06-17. Review status: criteria provided, single submitter. Criteria: Ambry Variant Classification Scheme 2023. Collection method: clinical testing. Allele origin: germline.

Blueprint Genetics
Classification: Uncertain significance. Last evaluated: 2022-09-07. Review status: criteria provided, single submitter. Criteria: ACMG Guidelines, 2015. Collection method: clinical testing. Allele origin: germline.